The following is an entry in ClinVar:

NM_000552.5(VWF):c.6540T>G (p.Tyr2180Ter)

Gene: VWF (von Willebrand factor; minus strand). Cytogenetic location: 12p13.31.
Variant type: single nucleotide variant.
Coding change: c.6540T>G on transcript NM_000552.5 (MANE Select); coding-DNA position 6540, T replaced by G.
Protein change: p.Tyr2180Ter; replaces tyrosine 2180 with a stop codon.
Molecular consequence: nonsense.
Genome position (GRCh38, 1-based): chr12:5,993,920, A>C on the plus strand (T>G on the coding strand, the complement: VWF is on the minus strand). VCF-style: chr12-5993920-A-C. GRCh37 (hg19) VCF-style: chr12-6103086-A-C.
Other names: short protein forms Y2180*.
Identifiers: ClinVar variation 4686123 (VCV004686123.1).

ClinVar aggregate classification (germline): Likely pathogenic (1 of 4 stars; one submission).

Submission:

GeneDx
Classification: Likely pathogenic. Last evaluated: 2025-07-17. Review status: criteria provided, single submitter. Criteria: GeneDx Variant Classification Process June 2021. Collection method: clinical testing. Allele origin: germline. Affected: yes.
Comment: Nonsense variant predicted to result in protein truncation or nonsense mediated decay in a gene for which loss of function is a known mechanism of disease; Not observed at significant frequency in large population cohorts (gnomAD); Reported along with a second variant in the VWF gene in a patient with Willebrand factor deficiency in the published literature (PMID: 28536718); This variant is associated with the following publications: (PMID: 28536718)